The following is an entry in ClinVar:

ClinVar aggregate classification (germline): Likely benign. Review status: criteria provided, multiple submitters, no conflicts (2 of 4 stars). 2 submissions from 2 submitters: Likely benign (2). Last evaluated 2026-01-20.

Conditions:
Tuberous sclerosis 2 (TSC2). Identifiers: Orphanet 805, MedGen C1860707, MONDO:0013199, OMIM 613254.

gnomAD v4.1: 5 of 1,605,890 alleles (0.00031%); highest among the groups gnomAD compares: Non-Finnish European, 0.00034%; no homozygotes.

Submissions (2):

Labcorp Genetics (formerly Invitae), Labcorp
Classification: Likely benign for Tuberous sclerosis 2. Last evaluated: 2026-01-20. Review status: criteria provided, single submitter. Criteria: Invitae Variant Classification Sherloc (09022015). Collection method: clinical testing. Allele origin: germline.

Myriad Genetics, Inc.
Classification: Likely benign for Tuberous sclerosis 2. Last evaluated: 2025-05-05. Review status: criteria provided, single submitter. Criteria: Myriad Autosomal Dominant, Autosomal Recessive and X-Linked Classification Criteria (2023). Collection method: clinical testing. Allele origin: unknown.
Comment: This variant is considered likely benign. This variant is intronic and is not expected to impact mRNA splicing.

NM_000548.5(TSC2):c.482-20T>C

Gene: TSC2 (TSC complex subunit 2; plus strand). Cytogenetic location: 16p13.3.
Variant type: single nucleotide variant.
Coding change: c.482-20T>C on transcript NM_000548.5 (MANE Select); 20 bases into the intron before coding-DNA position 482, T replaced by C.
Molecular consequence: intron variant.
Genome position (GRCh38, 1-based): chr16:2,055,382, T>C. VCF-style: chr16-2055382-T-C. GRCh37 (hg19) VCF-style: chr16-2105383-T-C.
Other names: c.482-20T>C (NM_001114382.3, NM_021055.3, NM_001370405.1 and 3 more transcripts); c.371-20T>C (NM_001318827.2); c.-1-814T>C (NM_001318831.2); c.335-20T>C (NM_001318829.2); c.515-20T>C (NM_001318832.2).
Identifiers: ClinVar variation 1623266 (VCV001623266.10), dbSNP rs548831116, ClinGen allele CA620373073.